The following is an entry in ClinVar:

NM_006766.5(KAT6A):c.2480A>G (p.Tyr827Cys)

Gene: KAT6A (lysine acetyltransferase 6A; minus strand). Cytogenetic location: 8p11.21.
Variant type: single nucleotide variant.
Coding change: c.2480A>G on transcript NM_006766.5 (MANE Select); coding-DNA position 2480, A replaced by G.
Protein change: p.Tyr827Cys; replaces tyrosine 827 with cysteine.
Molecular consequence: missense variant.
Genome position (GRCh38, 1-based): chr8:41,941,401, T>C on the plus strand (A>G on the coding strand, the complement: KAT6A is on the minus strand). VCF-style: chr8-41941401-T-C. GRCh37 (hg19) VCF-style: chr8-41798919-T-C.
Other names: short protein forms Y827C.
Identifiers: ClinVar variation 2725508 (VCV002725508.3), dbSNP rs2486772173, ClinGen allele CA371072331.
Genomic context (GRCh38, chr8:41,941,401, plus strand): 5'-CTCAAACGTGTAGAACTGACTGGAGCCATAACTTCTGGTTTCTTTTCACTTTCTACTGAA[T>C]AAGAATCTTGTTCTTTGTTCTCATGAGACACAGACTTTCCCACCTGATTTTAGAAAATAA-3'
Protein context (NP_006757.2, residues 817-837): VSHENKEQDS[Tyr827Cys]SVESEKKPEV

ClinVar aggregate classification (germline): Uncertain significance (1 of 4 stars; one submission).

Allele frequency attached by ClinVar (database versions not stated): gnomAD exomes below 0.00001.
gnomAD v4.1: 4 of 1,608,248 alleles (0.00025%); highest among the groups gnomAD compares: Non-Finnish European, 0.00034%; no homozygotes.

Submission:

Labcorp Genetics (formerly Invitae), Labcorp
Classification: Uncertain significance. Last evaluated: 2023-06-23. Review status: criteria provided, single submitter. Criteria: Invitae Variant Classification Sherloc (09022015). Collection method: clinical testing. Allele origin: germline.
Comment: This sequence change replaces tyrosine, which is neutral and polar, with cysteine, which is neutral and slightly polar, at codon 827 of the KAT6A protein (p.Tyr827Cys). This variant is not present in population databases (gnomAD no frequency). This variant has not been reported in the literature in individuals affected with KAT6A-related conditions. Advanced modeling of protein sequence and biophysical properties (such as structural, functional, and spatial information, amino acid conservation, physicochemical variation, residue mobility, and thermodynamic stability) performed at Invitae indicates that this missense variant is not expected to disrupt KAT6A protein function. In summary, the available evidence is currently insufficient to determine the role of this variant in disease. Therefore, it has been classified as a Variant of Uncertain Significance.